The following is an entry in ClinVar:

ClinVar aggregate classification (germline): Uncertain significance (1 of 4 stars; one submission).

Conditions:
Exostoses, multiple, type 2 (EXT2). Also called: Hereditary Multiple Osteochondromatosis, Type II; EXOSTOSES, MULTIPLE, TYPE II. Identifiers: Orphanet 321, MedGen C1851413, MONDO:0007586, OMIM 133701.

Submission:

Labcorp Genetics (formerly Invitae), Labcorp
Classification: Uncertain significance for Exostoses, multiple, type 2. Last evaluated: 2021-09-15. Review status: criteria provided, single submitter. Criteria: Invitae Variant Classification Sherloc (09022015). Collection method: clinical testing. Allele origin: germline.
Comment: This variant has not been reported in the literature in individuals affected with EXT2-related conditions. This variant is not present in population databases (ExAC no frequency). This sequence change replaces proline with arginine at codon 341 of the EXT2 protein (p.Pro341Arg). The proline residue is highly conserved and there is a moderate physicochemical difference between proline and arginine. Algorithms developed to predict the effect of missense changes on protein structure and function are either unavailable or do not agree on the potential impact of this missense change (SIFT: "Deleterious"; PolyPhen-2: "Probably Damaging"; Align-GVGD: "Class C0"). In summary, the available evidence is currently insufficient to determine the role of this variant in disease. Therefore, it has been classified as a Variant of Uncertain Significance.

NM_207122.2(EXT2):c.1022C>G (p.Pro341Arg)

Gene: EXT2 (exostosin glycosyltransferase 2; plus strand). Cytogenetic location: 11p11.2.
Variant type: single nucleotide variant.
Coding change: c.1022C>G on transcript NM_207122.2 (MANE Select); coding-DNA position 1022, C replaced by G.
Protein change: p.Pro341Arg; replaces proline 341 with arginine.
Molecular consequence: missense variant.
Genome position (GRCh38, 1-based): chr11:44,126,898, C>G. VCF-style: chr11-44126898-C-G. GRCh37 (hg19) VCF-style: chr11-44148448-C-G.
Other names: c.1121C>G, p.Pro374Arg (NM_000401.3); c.1022C>G, p.Pro341Arg (NM_001178083.3, NM_001389628.1, NM_001389630.1); short protein forms P341R, P374R.
Identifiers: ClinVar variation 1490711 (VCV001490711.6), dbSNP rs141035971, ClinGen allele CA380169075.